The following is an entry in ClinVar:

NM_017617.5(NOTCH1):c.1553C>T (p.Thr518Met)

Gene: NOTCH1 (notch receptor 1; minus strand). Cytogenetic location: 9q34.3.
Variant type: single nucleotide variant.
Coding change: c.1553C>T on transcript NM_017617.5 (MANE Select); coding-DNA position 1553, C replaced by T.
Protein change: p.Thr518Met; replaces threonine 518 with methionine.
Molecular consequence: missense variant.
Genome position (GRCh38, 1-based): chr9:136,517,274, G>A on the plus strand (C>T on the coding strand, the complement: NOTCH1 is on the minus strand). VCF-style: chr9-136517274-G-A. GRCh37 (hg19) VCF-style: chr9-139411726-G-A.
Other names: c.1553C>T (NM_017617.4); c.1553C>T, p.Thr518Met (LRG_1122t1); short protein forms T518M.
Identifiers: ClinVar variation 373661 (VCV000373661.21), dbSNP rs377535397, ClinGen allele CA5341750.

ClinVar aggregate classification (germline): Conflicting classifications of pathogenicity. Review status: criteria provided, conflicting classifications (1 of 4 stars). 9 submissions from 8 submitters: Uncertain significance (1); Benign (1); Likely benign (5). 2 of the submissions do not count toward it. Last evaluated 2025-12-13.

Conditions:
Adams-Oliver syndrome 5 (AOS5). Identifiers: Orphanet 974, MedGen C4014970, MONDO:0014459, OMIM 616028.
Familial thoracic aortic aneurysm and aortic dissection (TAAD). Also called: Thoracic aortic aneurysms and dissections. Identifiers: Orphanet 91387, MedGen C4707243, MONDO:0019625.
Aortic valve disease 1 (AOVD1). Identifiers: MedGen C3887892, MONDO:0024523, OMIM 109730.
NOTCH1-related disorder. Also called: NOTCH1-related condition; NOTCH1-related disorders.

Allele frequency attached by ClinVar (database versions not stated): gnomAD exomes 0.00011; ExAC 0.00024; ESP Exome Variant Server 0.00024; gnomAD 0.00044; TOPMed 0.00053; 1000 Genomes Project 30x 0.00078; 1000 Genomes Project 0.00100.
gnomAD v4.1: 146 of 1,593,672 alleles (0.0092%); highest among the groups gnomAD compares: African/African-American, 0.16%; 1 homozygote.

Submissions (9):

Labcorp Genetics (formerly Invitae), Labcorp
Classification: Likely benign for Adams-Oliver syndrome 5. Last evaluated: 2025-12-13. Review status: criteria provided, single submitter. Criteria: Invitae Variant Classification Sherloc (09022015). Collection method: clinical testing. Allele origin: germline.

ARUP Laboratories, Molecular Genetics and Genomics, ARUP Laboratories
Classification: Likely benign. Last evaluated: 2025-02-12. Review status: criteria provided, single submitter. Criteria: ARUP Molecular Germline Variant Investigation Process 2024. Collection method: clinical testing. Allele origin: germline.

Ambry Genetics
Classification: Benign for Familial thoracic aortic aneurysm and aortic dissection. Last evaluated: 2024-08-02. Review status: criteria provided, single submitter. Criteria: Ambry Variant Classification Scheme 2023. Collection method: clinical testing. Allele origin: germline.

Genomic Medicine Center of Excellence, King Faisal Specialist Hospital and Research Centre
Classification: Uncertain significance for Aortic valve disease 1. Last evaluated: 2024-03-26. Review status: criteria provided, single submitter. Criteria: ACMG Guidelines, 2015. Collection method: clinical testing. Allele origin: germline.

Blueprint Genetics
Classification: Likely benign. Last evaluated: 2024-03-05. Review status: criteria provided, single submitter. Criteria: ACMG Guidelines, 2015. Collection method: clinical testing. Allele origin: germline.

Women's Health and Genetics/Laboratory Corporation of America, LabCorp
Classification: Likely benign. Last evaluated: 2023-08-10. Review status: criteria provided, single submitter. Criteria: LabCorp Variant Classification Summary - May 2015. Collection method: clinical testing. Allele origin: germline.

GeneDx
Classification: Likely benign. Last evaluated: 2021-04-01. Review status: criteria provided, single submitter. Criteria: GeneDx Variant Classification Process June 2021. Collection method: clinical testing. Allele origin: germline. Affected: yes.

PreventionGenetics, part of Exact Sciences
Classification: Likely benign for NOTCH1-related condition. Last evaluated: 2023-04-26. Review status: no assertion criteria provided. Collection method: clinical testing. Allele origin: germline. Not counted in ClinVar's aggregate classification.
Comment: This variant is classified as likely benign based on ACMG/AMP sequence variant interpretation guidelines (Richards et al. 2015 PMID: 25741868, with internal and published modifications).

GeneDx
Classification: Uncertain significance. Last evaluated: 2016-12-02. Review status: flagged submission. Criteria: GeneDx Variant Classification (06012015). Collection method: clinical testing. Allele origin: germline. Affected: yes. Not counted in ClinVar's aggregate classification.
Comment: A variant of uncertain significance has been identified in the NOTCH1 gene. The T518M variant has not been published as a pathogenic variant, nor has it been reported as a benign variant to our knowledge. The NHLBI Exome Sequencing Project, the 1000 Genomes Project and the Exome Aggregation Consortium report that the T518M variant was observed in 0.1-0.3% alleles from individuals of African ancestry, indicating it may be a rare (benign) variant in this population. However, the T518M variant is a non-conservative amino acid substitution, which is likely to impact secondary protein structure as these residues differ in polarity, charge, size and/or other properties. This substitution occurs at a position that is conserved across species and in silico analysis suggests that this variant is probably damaging to the protein structure/function.
ClinVar note: Reason: This record appears to be redundant with a more recent record from the same submitter.
ClinVar note: Notes: SCV000492275 appears to be redundant with SCV001772554.